The following is an entry in ClinVar:

NM_001130438.3(SPTAN1):c.5479-3C>T

Gene: SPTAN1 (spectrin alpha, non-erythrocytic 1; plus strand). Cytogenetic location: 9q34.11.
Variant type: single nucleotide variant.
Coding change: c.5479-3C>T on transcript NM_001130438.3 (MANE Select); 3 bases into the intron before coding-DNA position 5479, C replaced by T.
Molecular consequence: intron variant.
Genome position (GRCh38, 1-based): chr9:128,617,984, C>T. VCF-style: chr9-128617984-C-T. GRCh37 (hg19) VCF-style: chr9-131380263-C-T.
Other names: c.5515-3C>T (NM_001375318.1, NM_001375312.2); c.5479-3C>T (NM_001375311.2, NM_001375310.1, NM_001363759.2 and 1 more transcripts); c.5419-3C>T (NM_001375314.2, NM_001363765.2); c.5464-3C>T (NM_003127.4); c.5404-3C>T (NM_001195532.2).
Identifiers: ClinVar variation 1422120 (VCV001422120.7), dbSNP rs1464939078, ClinGen allele CA2573143911.

ClinVar aggregate classification (germline): Uncertain significance (1 of 4 stars; one submission).

Conditions:
Early-infantile DEE. Also called: Ohtahara syndrome; Early infantile epileptic encephalopathy with suppression bursts; Early infantile epileptic encephalopathy. Identifiers: Orphanet 1934, MedGen C0393706, MONDO:0800491.

gnomAD v4.1: 3 of 1,614,166 alleles (0.00019%); highest among the groups gnomAD compares: Non-Finnish European, 0.00025%; no homozygotes.

Submission:

Labcorp Genetics (formerly Invitae), Labcorp
Classification: Uncertain significance for Early-infantile DEE. Last evaluated: 2023-11-27. Review status: criteria provided, single submitter. Criteria: Invitae Variant Classification Sherloc (09022015). Collection method: clinical testing. Allele origin: germline.
Comment: This sequence change falls in intron 42 of the SPTAN1 gene. It does not directly change the encoded amino acid sequence of the SPTAN1 protein. It affects a nucleotide within the consensus splice site. This variant is not present in population databases (gnomAD no frequency). This variant has not been reported in the literature in individuals affected with SPTAN1-related conditions. ClinVar contains an entry for this variant (Variation ID: 1422120). Variants that disrupt the consensus splice site are a relatively common cause of aberrant splicing (PMID: 17576681, 9536098). Algorithms developed to predict the effect of sequence changes on RNA splicing suggest that this variant is not likely to affect RNA splicing. In summary, the available evidence is currently insufficient to determine the role of this variant in disease. Therefore, it has been classified as a Variant of Uncertain Significance.

Literature cited by the submitters: PubMed 17576681; PubMed 9536098.